The following is an entry in ClinVar:

ClinVar aggregate classification (germline): Uncertain significance. Review status: criteria provided, multiple submitters, no conflicts (2 of 4 stars). 2 submissions from 2 submitters: Uncertain significance (2). Last evaluated 2024-10-22.

Allele frequency attached by ClinVar (database versions not stated): gnomAD exomes 0.00001; gnomAD 0.00003 and 0.00004; TOPMed 0.00003.
gnomAD v4.1: 37 of 1,613,998 alleles (0.0023%); highest among the groups gnomAD compares: Non-Finnish European, 0.003%; no homozygotes.

Submissions (2):

Labcorp Genetics (formerly Invitae), Labcorp
Classification: Uncertain significance. Last evaluated: 2024-10-22. Review status: criteria provided, single submitter. Criteria: Invitae Variant Classification Sherloc (09022015). Collection method: clinical testing. Allele origin: germline.
Comment: This sequence change falls in intron 2 of the USH1G gene. It does not directly change the encoded amino acid sequence of the USH1G protein. It affects a nucleotide within the consensus splice site. This variant is present in population databases (no rsID available, gnomAD 0.003%). This variant has been observed in individual(s) with clinical features of Usher syndrome (internal data). ClinVar contains an entry for this variant (Variation ID: 1047120). Variants that disrupt the consensus splice site are a relatively common cause of aberrant splicing (PMID: 17576681, 9536098). Algorithms developed to predict the effect of sequence changes on RNA splicing suggest that this variant may disrupt the consensus splice site. In summary, the available evidence is currently insufficient to determine the role of this variant in disease. Therefore, it has been classified as a Variant of Uncertain Significance.

Blueprint Genetics
Classification: Uncertain significance. Last evaluated: 2024-05-24. Review status: criteria provided, single submitter. Criteria: ACMG Guidelines, 2015. Collection method: clinical testing. Allele origin: germline.

Literature cited by the submitters: PubMed 17576681 (cited by Labcorp Genetics (formerly Invitae), Labcorp); PubMed 9536098 (cited by Labcorp Genetics (formerly Invitae), Labcorp).

NM_173477.5(USH1G):c.1383-3C>A

Gene: USH1G (USH1 protein network component sans; minus strand). Cytogenetic location: 17q25.1.
Variant type: single nucleotide variant.
Coding change: c.1383-3C>A on transcript NM_173477.5 (MANE Select); 3 bases into the intron before coding-DNA position 1383, C replaced by A.
Molecular consequence: intron variant.
Genome position (GRCh38, 1-based): chr17:74,918,079, G>T on the plus strand (C>A on the coding strand, the complement: USH1G is on the minus strand). VCF-style: chr17-74918079-G-T. GRCh37 (hg19) VCF-style: chr17-72914174-G-T.
Other names: c.1074-3C>A (NM_001282489.3).
Identifiers: ClinVar variation 1047120 (VCV001047120.6), dbSNP rs1223026125, ClinGen allele CA627376415.